The following is an entry in ClinVar:

ClinVar aggregate classification (germline): Likely benign (0 of 4 stars; one submission).

Conditions:
F13A1-related disorder. Also called: F13A1-related condition.

gnomAD v4.1: 3 of 1,613,990 alleles (0.00019%); highest among the groups gnomAD compares: Middle Eastern, 0.033%; no homozygotes.

Submission:

PreventionGenetics, part of Exact Sciences
Classification: Likely benign for F13A1-related condition. Last evaluated: 2019-06-20. Review status: no assertion criteria provided. Collection method: clinical testing. Allele origin: germline.
Comment: This variant is classified as likely benign based on ACMG/AMP sequence variant interpretation guidelines (Richards et al. 2015 PMID: 25741868, with internal and published modifications).

NM_000129.4(F13A1):c.1863C>T (p.Ala621=)

Gene: F13A1 (coagulation factor XIII A chain; minus strand). Cytogenetic location: 6p25.1.
Variant type: single nucleotide variant.
Coding change: c.1863C>T on transcript NM_000129.4 (MANE Select); coding-DNA position 1863, C replaced by T.
Protein change: p.Ala621=; no amino-acid change (alanine 621 retained).
Molecular consequence: synonymous variant.
Genome position (GRCh38, 1-based): chr6:6,167,503, G>A on the plus strand (C>T on the coding strand, the complement: F13A1 is on the minus strand). VCF-style: chr6-6167503-G-A. GRCh37 (hg19) VCF-style: chr6-6167736-G-A.
Identifiers: ClinVar variation 3042814 (VCV003042814.2), dbSNP rs958236716, ClinGen allele CA133909253.